The following is an entry in ClinVar:

NM_001243279.3(ACSF3):c.480C>T (p.Val160=)

Gene: ACSF3 (acyl-CoA synthetase family member 3; plus strand). Cytogenetic location: 16q24.3.
Variant type: single nucleotide variant.
Coding change: c.480C>T on transcript NM_001243279.3 (MANE Select); coding-DNA position 480, C replaced by T.
Protein change: p.Val160=; no amino-acid change (valine 160 retained).
Molecular consequence: synonymous variant. On other transcripts: non-coding transcript variant (3), intron variant (1).
Genome position (GRCh38, 1-based): chr16:89,101,161, C>T. VCF-style: chr16-89101161-C-T. GRCh37 (hg19) VCF-style: chr16-89167569-C-T.
Other names: c.480C>T, p.Val160= (NM_001127214.4, NM_174917.5); c.-129-1443C>T (NM_001284316.2).
Identifiers: ClinVar variation 741237 (VCV000741237.12), dbSNP rs375671065, ClinGen allele CA8237667.

ClinVar aggregate classification (germline): Likely benign. Review status: criteria provided, single submitter (1 of 4 stars). 3 submissions from 3 submitters: Likely benign (1). 2 of the submissions do not count toward it. Last evaluated 2024-02-22.

Conditions:
ACSF3-related disorder. Also called: ACSF3-related condition.
Combined malonic and methylmalonic acidemia. Identifiers: Orphanet 289504, MedGen C3280314, MONDO:0013661, OMIM 614265.

Allele frequency attached by ClinVar (database versions not stated): gnomAD 0.00002; gnomAD exomes 0.00005; ESP Exome Variant Server 0.00008; TOPMed 0.00003; ExAC 0.00004.
gnomAD v4.1: 103 of 1,613,152 alleles (0.0064%); highest among the groups gnomAD compares: Non-Finnish European, 0.0086%; no homozygotes.

Submissions (3):

Labcorp Genetics (formerly Invitae), Labcorp
Classification: Likely benign for Combined malonic and methylmalonic acidemia. Last evaluated: 2024-02-22. Review status: criteria provided, single submitter. Criteria: Invitae Variant Classification Sherloc (09022015). Collection method: clinical testing. Allele origin: germline.

PreventionGenetics, part of Exact Sciences
Classification: Likely benign for ACSF3-related condition. Last evaluated: 2023-03-06. Review status: no assertion criteria provided. Collection method: clinical testing. Allele origin: germline. Not counted in ClinVar's aggregate classification.
Comment: This variant is classified as likely benign based on ACMG/AMP sequence variant interpretation guidelines (Richards et al. 2015 PMID: 25741868, with internal and published modifications).

Natera, Inc.
Classification: Uncertain significance for Combined malonic and methylmalonic aciduria. Last evaluated: 2020-05-01. Review status: no assertion criteria provided. Collection method: clinical testing. Allele origin: germline. Not counted in ClinVar's aggregate classification.